The following is an entry in ClinVar:

ClinVar aggregate classification (germline): Conflicting classifications of pathogenicity. Review status: criteria provided, conflicting classifications (1 of 4 stars). 3 submissions from 3 submitters: Uncertain significance (1); Likely benign (1). 1 of the submissions does not count toward it. Last evaluated 2024-03-20.

Conditions:
HEMOGLOBIN D (OULED RABAH).

gnomAD v4.1: 4 of 1,613,784 alleles (0.00025%); highest among the groups gnomAD compares: Middle Eastern, 0.05%; no homozygotes.

Submissions (3):

Women's Health and Genetics/Laboratory Corporation of America, LabCorp
Classification: Uncertain significance. Last evaluated: 2024-03-20. Review status: criteria provided, single submitter. Criteria: LabCorp Variant Classification Summary - May 2015. Collection method: clinical testing. Allele origin: germline.
Comment: Variant summary: HBB c.60C>A (p.Asn20Lys, also known as Hb D Ouled Rabah) results in a non-conservative amino acid change located in the Globin domain (IPR000971) of the encoded protein sequence. Four of five in-silico tools predict a benign effect of the variant on protein function. The variant was absent in 251238 control chromosomes in gnomAD v2. The available data on variant occurrences in the general population are insufficient to allow any conclusion about variant significance. c.60C>A has been reported in the literature along with a VUS missense p.Glu23Gln in individuals affected with Beta Thalassemia (example, Elion_1973). These report(s) do not provide unequivocal conclusions about association of the variant with Beta Thalassemia. To our knowledge, no experimental evidence demonstrating an impact on protein function has been reported. Additionally, p.Asn20Ser has been evaluated associated with disease as a splice-site variant, however such indirect evidence cannot be used for c.60C>A, as consensus agreement among computation tools predict no significant impact on normal splicing of this variant. The following publication have been ascertained in the context of this evaluation (PMID: 4719147). ClinVar contains an entry for this variant (Variation ID: 15153). Based on the evidence outlined above, the variant was classified as uncertain significance.

ARUP Laboratories, Molecular Genetics and Genomics, ARUP Laboratories
Classification: Likely benign. Last evaluated: 2021-04-28. Review status: criteria provided, single submitter. Criteria: ARUP Molecular Germline Variant Investigation Process 2021. Collection method: clinical testing. Allele origin: germline.

OMIM
Classification: other for HEMOGLOBIN D (OULED RABAH). Last evaluated: 2017-12-12. Review status: no assertion criteria provided. Collection method: literature only. Allele origin: germline. Not counted in ClinVar's aggregate classification.

Literature cited by the submitters: PubMed 4719147 (cited by Women's Health and Genetics/Laboratory Corporation of America, LabCorp and OMIM); PubMed 3384702 (cited by OMIM); PubMed 9450184 (cited by OMIM).

NM_000518.5(HBB):c.60C>A (p.Asn20Lys)

Genes: HBB (hemoglobin subunit beta; minus strand), LOC106099062 (HBB recombination region; plus strand), LOC107133510 (origin of replication at HBB; plus strand). Cytogenetic location: 11p15.4.
Variant type: single nucleotide variant.
Coding change: c.60C>A on transcript NM_000518.5 (MANE Select); coding-DNA position 60, C replaced by A.
Protein change: p.Asn20Lys; replaces asparagine 20 with lysine.
Molecular consequence: missense variant.
Genome position (GRCh38, 1-based): chr11:5,226,962, G>T on the plus strand (C>A on the coding strand, the complement: HBB is on the minus strand). VCF-style: chr11-5226962-G-T. GRCh37 (hg19) VCF-style: chr11-5248192-G-T.
Other names: N19K; short protein forms N20K.
Identifiers: ClinVar variation 15153 (VCV000015153.11), dbSNP rs63750840, ClinGen allele CA124826.